The following is an entry in ClinVar:

ClinVar aggregate classification (germline): Uncertain significance. Review status: criteria provided, multiple submitters, no conflicts (2 of 4 stars). 3 submissions from 3 submitters: Uncertain significance (3). Last evaluated 2024-01-23.

Conditions:
Familial cancer of breast. Also called: BREAST CANCER, FAMILIAL; Hereditary breast cancer; hereditary breast carcinoma. Identifiers: Orphanet 227535, MedGen C0346153, MONDO:0016419, OMIM 114480. Disease mechanism: loss of function.
Fanconi anemia complementation group J. Also called: BRIP1-Related Fanconi Anemia. Identifiers: Orphanet 84, MedGen C1836860, MONDO:0012187, OMIM 609054.
Hereditary cancer-predisposing syndrome. Also called: Tumor predisposition; Neoplastic Syndromes, Hereditary; Hereditary Cancer Syndrome; Hereditary neoplastic syndrome. Identifiers: Orphanet 140162, MedGen C0027672, MeSH D009386, MONDO:0015356.

Allele frequency attached by ClinVar (database versions not stated): gnomAD exomes below 0.00001.

Submissions (3):

Baylor Genetics
Classification: Uncertain significance for Familial cancer of breast. Last evaluated: 2024-01-23. Review status: criteria provided, single submitter. Criteria: ACMG Guidelines, 2015. Collection method: clinical testing. Allele origin: unknown.

Color Diagnostics, LLC DBA Color Health
Classification: Uncertain significance for Hereditary cancer-predisposing syndrome. Last evaluated: 2023-12-04. Review status: criteria provided, single submitter. Criteria: ACMG Guidelines, 2015. Collection method: clinical testing. Allele origin: germline.
Comment: This missense variant replaces arginine with serine at codon 261 of the BRIP1 protein. Computational prediction suggests that this variant may not impact protein structure and function (internally defined REVEL score threshold <= 0.5, PMID: 27666373). To our knowledge, functional studies have not been reported for this variant. This variant has not been reported in individuals affected with BRIP1-related disorders in the literature. This variant has not been identified in the general population by the Genome Aggregation Database (gnomAD). The available evidence is insufficient to determine the role of this variant in disease conclusively. Therefore, this variant is classified as a Variant of Uncertain Significance.

Labcorp Genetics (formerly Invitae), Labcorp
Classification: Uncertain significance for Familial cancer of breast; Fanconi anemia complementation group J. Last evaluated: 2019-01-02. Review status: criteria provided, single submitter. Criteria: Invitae Variant Classification Sherloc (09022015). Collection method: clinical testing. Allele origin: germline.
Comment: In summary, the available evidence is currently insufficient to determine the role of this variant in disease. Therefore, it has been classified as a Variant of Uncertain Significance. Algorithms developed to predict the effect of sequence changes on RNA splicing suggest that this variant may create or strengthen a splice site, but this prediction has not been confirmed by published transcriptional studies. Algorithms developed to predict the effect of missense changes on protein structure and function are either unavailable or do not agree on the potential impact of this missense change (SIFT: "Tolerated"; PolyPhen-2: "Possibly Damaging"; Align-GVGD: "Class C0"). This variant has not been reported in the literature in individuals with BRIP1-related conditions. This variant is not present in population databases (ExAC no frequency). This sequence change replaces arginine with serine at codon 261 of the BRIP1 protein (p.Arg261Ser). The arginine residue is moderately conserved and there is a moderate physicochemical difference between arginine and serine.

NM_032043.3(BRIP1):c.783A>T (p.Arg261Ser)

Gene: BRIP1 (BRCA1 interacting DNA helicase 1; minus strand). Cytogenetic location: 17q23.2.
Variant type: single nucleotide variant.
Coding change: c.783A>T on transcript NM_032043.3 (MANE Select); coding-DNA position 783, A replaced by T.
Protein change: p.Arg261Ser; replaces arginine 261 with serine.
Molecular consequence: missense variant.
Genome position (GRCh38, 1-based): chr17:61,808,602, T>A on the plus strand (A>T on the coding strand, the complement: BRIP1 is on the minus strand). VCF-style: chr17-61808602-T-A. GRCh37 (hg19) VCF-style: chr17-59885963-T-A.
Other names: short protein forms R261S.
Identifiers: ClinVar variation 628700 (VCV000628700.17), dbSNP rs1441703380, ClinGen allele CA400484916.